The following is an entry in ClinVar:

ClinVar aggregate classification (germline): Conflicting classifications of pathogenicity. Review status: criteria provided, conflicting classifications (1 of 4 stars). 3 submissions from 3 submitters: Uncertain significance (1); Benign (1); Likely benign (1). Last evaluated 2026-01-25.

Conditions:
Congenital adrenal hyperplasia due to cytochrome P450 oxidoreductase deficiency. Also called: DISORDERED STEROIDOGENESIS DUE TO POR DEFICIENCY. Identifiers: Orphanet 95699, MedGen C1860042, MONDO:0013310, OMIM 613571.

Allele frequency attached by ClinVar (database versions not stated): TOPMed 0.00017; ESP Exome Variant Server 0.00023; 1000 Genomes Project 30x 0.00141; 1000 Genomes Project 0.00180.
gnomAD v4.1: 1,499 of 1,610,892 alleles (0.093%); highest among the groups gnomAD compares: South Asian, 0.024%; 11 homozygotes.

Submissions (3):

Labcorp Genetics (formerly Invitae), Labcorp
Classification: Benign for Congenital adrenal hyperplasia due to cytochrome P450 oxidoreductase deficiency. Last evaluated: 2026-01-25. Review status: criteria provided, single submitter. Criteria: Invitae Variant Classification Sherloc (09022015). Collection method: clinical testing. Allele origin: germline.

CeGaT Center for Human Genetics Tuebingen
Classification: Likely benign. Last evaluated: 2024-11-01. Review status: criteria provided, single submitter. Criteria: CeGaT Center For Human Genetics Tuebingen Variant Classification Criteria Version 2. Collection method: clinical testing. Allele origin: germline. Affected: yes. Observed: 1 variant allele.
Comment: POR: BP4, BP7

Illumina Laboratory Services, Illumina
Classification: Uncertain significance for Congenital adrenal hyperplasia due to cytochrome P450 oxidoreductase deficiency. Last evaluated: 2018-01-13. Review status: criteria provided, single submitter. Criteria: ICSL Variant Classification Criteria 13 December 2019. Collection method: clinical testing. Allele origin: germline.

NM_001395413.1(POR):c.1182G>A (p.Ser394=)

Gene: POR (cytochrome p450 oxidoreductase; plus strand). Cytogenetic location: 7q11.23.
Variant type: single nucleotide variant.
Coding change: c.1182G>A on transcript NM_001395413.1 (MANE Select); coding-DNA position 1182, G replaced by A.
Protein change: p.Ser394=; no amino-acid change (serine 394 retained).
Molecular consequence: synonymous variant.
Genome position (GRCh38, 1-based): chr7:75,984,901, G>A. VCF-style: chr7-75984901-G-A. GRCh37 (hg19) VCF-style: chr7-75614219-G-A.
Other names: c.1182G>A, p.Ser394= (NM_001367562.3, NM_001382657.2, NM_001382658.3 and 2 more transcripts); c.1236G>A, p.Ser412= (NM_001382655.3).
Identifiers: ClinVar variation 911634 (VCV000911634.25), dbSNP rs72557928, ClinGen allele CA4304018.